The following is an entry in ClinVar:

ClinVar aggregate classification (germline): Uncertain significance (1 of 4 stars; one submission).

Conditions:
Neurofibromatosis, type 1 (NF1). Also called: VON RECKLINGHAUSEN DISEASE; Peripheral type neurofibromatosis; Neurofibromatosis, type I; NEUROFIBROMATOSIS, TYPE I, SOMATIC. Identifiers: Orphanet 636, MedGen C0027831, MONDO:0018975, OMIM 162200. Disease mechanism: loss of function.

Submission:

Labcorp Genetics (formerly Invitae), Labcorp
Classification: Uncertain significance for Neurofibromatosis, type 1. Last evaluated: 2022-11-28. Review status: criteria provided, single submitter. Criteria: Invitae Variant Classification Sherloc (09022015). Collection method: clinical testing. Allele origin: germline.
Comment: This sequence change replaces valine, which is neutral and non-polar, with phenylalanine, which is neutral and non-polar, at codon 1643 of the NF1 protein (p.Val1643Phe). This variant is not present in population databases (gnomAD no frequency). This variant has not been reported in the literature in individuals affected with NF1-related conditions. Advanced modeling of protein sequence and biophysical properties (such as structural, functional, and spatial information, amino acid conservation, physicochemical variation, residue mobility, and thermodynamic stability) has been performed at Invitae for this missense variant, however the output from this modeling did not meet the statistical confidence thresholds required to predict the impact of this variant on NF1 protein function. In summary, the available evidence is currently insufficient to determine the role of this variant in disease. Therefore, it has been classified as a Variant of Uncertain Significance.

NM_001042492.3(NF1):c.4990G>T (p.Val1664Phe)

Gene: NF1 (neurofibromin 1; plus strand). Cytogenetic location: 17q11.2.
Variant type: single nucleotide variant.
Coding change: c.4990G>T on transcript NM_001042492.3 (MANE Select); coding-DNA position 4990, G replaced by T.
Protein change: p.Val1664Phe; replaces valine 1664 with phenylalanine.
Molecular consequence: missense variant.
Genome position (GRCh38, 1-based): chr17:31,325,974, G>T. VCF-style: chr17-31325974-G-T. GRCh37 (hg19) VCF-style: chr17-29652992-G-T.
Other names: c.4927G>T, p.Val1643Phe (NM_000267.4); short protein forms V1643F, V1664F.
Identifiers: ClinVar variation 2816804 (VCV002816804.3), dbSNP rs2508695846, ClinGen allele CA399007269.